The following is an entry in ClinVar:

NM_007294.4(BRCA1):c.670+5T>C

Gene: BRCA1 (BRCA1 DNA repair associated; minus strand). Cytogenetic location: 17q21.31.
Variant type: single nucleotide variant.
Coding change: c.670+5T>C on transcript NM_007294.4 (MANE Select); 5 bases into the intron after coding-DNA position 670, T replaced by C.
Molecular consequence: intron variant.
Genome position (GRCh38, 1-based): chr17:43,095,841, A>G on the plus strand (T>C on the coding strand, the complement: BRCA1 is on the minus strand). VCF-style: chr17-43095841-A-G. GRCh37 (hg19) VCF-style: chr17-41247858-A-G.
Other names: c.670+5T>C (NM_001407979.1, NM_001407977.1, NM_001407642.1 and 58 more transcripts); c.529+5T>C (NM_001407724.1, NM_001407697.1, NM_001408410.1 and 43 more transcripts); c.526+5T>C (NM_001407838.1, NM_001407741.1, NM_001407747.1 and 26 more transcripts); c.592+5T>C (NM_001408415.1, NM_001408412.1, NM_001407656.1 and 9 more transcripts); c.460+5T>C (NM_001408483.1, NM_001407885.1, NM_001407886.1 and 27 more transcripts); c.667+5T>C (NM_001407634.1, NM_001407610.1, NM_001408397.1 and 41 more transcripts); c.548-981T>C (NM_001408442.1, NM_001408426.1, NM_001408436.1 and 34 more transcripts); c.-218-981T>C (NM_001407967.1, NM_001407966.1); and 17 more.
Identifiers: ClinVar variation 462686 (VCV000462686.25), dbSNP rs1030987340, ClinGen allele CA290811923.

ClinVar aggregate classification (germline): Uncertain significance. Review status: criteria provided, multiple submitters, no conflicts (2 of 4 stars). 5 submissions from 5 submitters: Uncertain significance (5). Last evaluated 2026-01-19.

Conditions:
Hereditary breast ovarian cancer syndrome. Also called: Hereditary breast and ovarian cancer syndrome (HBOC); Hereditary breast and ovarian cancer syndrome; Breast and ovarian cancer; Hereditary breast and/or ovarian cancer syndrome; Hereditary breast and ovarian cancer; BRCA1- and BRCA2-Associated Hereditary Breast and Ovarian Cancer. Identifiers: Orphanet 145, MedGen C0677776, MeSH D061325, MONDO:0003582. Disease mechanism: loss of function.
Hereditary cancer-predisposing syndrome. Also called: Neoplastic Syndromes, Hereditary; Hereditary Cancer Syndrome; Hereditary neoplastic syndrome; Tumor predisposition. Identifiers: Orphanet 140162, MedGen C0027672, MeSH D009386, MONDO:0015356.

Allele frequency attached by ClinVar (database versions not stated): gnomAD exomes below 0.00001 and 0.00001; TOPMed below 0.00001; gnomAD 0.00001.
gnomAD v4.1: 3 of 1,611,936 alleles (0.00019%); highest among the groups gnomAD compares: South Asian, 0.0011%; no homozygotes.

Submissions (5):

Labcorp Genetics (formerly Invitae), Labcorp
Classification: Uncertain significance for Hereditary breast ovarian cancer syndrome. Last evaluated: 2026-01-19. Review status: criteria provided, single submitter. Criteria: Invitae Variant Classification Sherloc (09022015). Collection method: clinical testing. Allele origin: germline.
Comment: This sequence change falls in intron 9 of the BRCA1 gene. It does not directly change the encoded amino acid sequence of the BRCA1 protein. It affects a nucleotide within the consensus splice site. This variant is present in population databases (no rsID available, gnomAD 0.007%). This variant has not been reported in the literature in individuals affected with BRCA1-related conditions. ClinVar contains an entry for this variant (Variation ID: 462686). Variants that disrupt the consensus splice site are a relatively common cause of aberrant splicing (PMID: 17576681, 9536098). Algorithms developed to predict the effect of sequence changes on RNA splicing suggest that this variant may disrupt the consensus splice site. In summary, the available evidence is currently insufficient to determine the role of this variant in disease. Therefore, it has been classified as a Variant of Uncertain Significance.

Color Diagnostics, LLC DBA Color Health
Classification: Uncertain significance for Hereditary cancer-predisposing syndrome. Last evaluated: 2025-10-15. Review status: criteria provided, single submitter. Criteria: ACMG Guidelines, 2015. Collection method: clinical testing. Allele origin: germline.
Comment: This variant causes a T to C nucleotide substitution at the +5 position of intron 9 of the BRCA1 gene. Computational prediction is inconclusive regarding the impact of this variant on mRNA splicing (PMID: 30661751). Multifactorial analysis reached a combined likelihood ratio (LR) of 0.492 based on personal and family history LR of 0.411 for 1 carrier and case-control LR of 1.196 (PMID: 31853058, 40413188). This variant has been identified in 2/250424 chromosomes in the general population by the Genome Aggregation Database (gnomAD). The available evidence is insufficient to determine the role of this variant in disease conclusively. Therefore, this variant is classified as a Variant of Uncertain Significance.

Ambry Genetics
Classification: Uncertain significance for Hereditary cancer-predisposing syndrome. Last evaluated: 2025-07-14. Review status: criteria provided, single submitter. Criteria: Ambry Variant Classification Scheme 2023. Collection method: clinical testing. Allele origin: germline.
Comment: The c.670+5T>C intronic variant results from a T to C substitution 5 nucleotides after coding exon 8 in the BRCA1 gene. This nucleotide position is well conserved in available vertebrate species. In silico splice site analysis for this alteration is inconclusive; however, direct evidence is insufficient at this time (Ambry internal data). Based on the available evidence, the clinical significance of this variant remains unclear.

Women's Health and Genetics/Laboratory Corporation of America, LabCorp
Classification: Uncertain significance. Last evaluated: 2024-09-03. Review status: criteria provided, single submitter. Criteria: LabCorp Variant Classification Summary - May 2015. Collection method: clinical testing. Allele origin: germline.

Quest Diagnostics Nichols Institute San Juan Capistrano
Classification: Uncertain significance. Last evaluated: 2023-08-01. Review status: criteria provided, single submitter. Criteria: Quest Diagnostics criteria. Collection method: clinical testing. Allele origin: unknown.
Comment: To the best of our knowledge, this variant has not been reported in the published literature. The frequency of this variant in the general population, 0.000008 (2/250424 chromosomes (Genome Aggregation Database)), is uninformative in the assessment of its pathogenicity. Analysis of this variant using software algorithms for the prediction of the effect of nucleotide changes on splicing yielded predictions that this variant does not affect BRCA1 mRNA splicing . Based on the available information, we are unable to determine the clinical significance of this variant.

Literature cited by the submitters: PubMed 17576681 (cited by Labcorp Genetics (formerly Invitae), Labcorp); PubMed 9536098 (cited by Labcorp Genetics (formerly Invitae), Labcorp); PubMed 30661751 (cited by Color Diagnostics, LLC DBA Color Health); PubMed 31853058 (cited by Color Diagnostics, LLC DBA Color Health); PubMed 40413188 (cited by Color Diagnostics, LLC DBA Color Health).